The following is an entry in ClinVar:

ClinVar aggregate classification (germline): Uncertain significance (1 of 4 stars; one submission).

gnomAD v4.1: 46 of 1,613,992 alleles (0.0029%); highest among the groups gnomAD compares: Non-Finnish European, 0.0036%; no homozygotes.

Submission:

Labcorp Genetics (formerly Invitae), Labcorp
Classification: Uncertain significance. Last evaluated: 2025-07-16. Review status: criteria provided, single submitter. Criteria: Invitae Variant Classification Sherloc (09022015). Collection method: clinical testing. Allele origin: germline.
Comment: This sequence change replaces glutamine, which is neutral and polar, with glutamic acid, which is acidic and polar, at codon 677 of the PPP1R15B protein (p.Gln677Glu). This variant is not present in population databases (gnomAD no frequency). This variant has not been reported in the literature in individuals affected with PPP1R15B-related conditions. Invitae Evidence Modeling of protein sequence and biophysical properties (such as structural, functional, and spatial information, amino acid conservation, physicochemical variation, residue mobility, and thermodynamic stability) indicates that this missense variant is expected to disrupt PPP1R15B protein function with a positive predictive value of 80%. In summary, the available evidence is currently insufficient to determine the role of this variant in disease. Therefore, it has been classified as a Variant of Uncertain Significance.

NM_032833.5(PPP1R15B):c.2029C>G (p.Gln677Glu)

Gene: PPP1R15B (protein phosphatase 1 regulatory subunit 15B; minus strand). Cytogenetic location: 1q32.1.
Variant type: single nucleotide variant.
Coding change: c.2029C>G on transcript NM_032833.5 (MANE Select); coding-DNA position 2029, C replaced by G.
Protein change: p.Gln677Glu; replaces glutamine 677 with glutamic acid.
Molecular consequence: missense variant.
Genome position (GRCh38, 1-based): chr1:204,406,205, G>C on the plus strand (C>G on the coding strand, the complement: PPP1R15B is on the minus strand). VCF-style: chr1-204406205-G-C. GRCh37 (hg19) VCF-style: chr1-204375333-G-C.
Other names: short protein forms Q677E.
Identifiers: ClinVar variation 4741544 (VCV004741544.1).
Genomic context (GRCh38, chr1:204,406,205, plus strand): 5'-TAAACATTCTTTCTCTGTGTTCAAATGTCAAGCAATATCCAATAGCATCTTCTGTTTCTT[G>C]AATTCGTTTCTGGAACCTGCATCCATCCCTTGCAAATTCTTCCCATGGTCCTTTGCGATC-3'
Protein context (NP_116222.4, residues 667-687): RDGCRFQKRI[Gln677Glu]ETEDAIGYCL